The following is an entry in ClinVar:

ClinVar aggregate classification (germline): Uncertain significance. Review status: criteria provided, multiple submitters, no conflicts (2 of 4 stars). 3 submissions from 3 submitters: Uncertain significance (3). Last evaluated 2026-03-20.

Conditions:
Nephronophthisis. Also called: Juvenile Nephronophthisis. Identifiers: Orphanet 655, MedGen C0687120, MONDO:0019005, HP:0000090.
Joubert syndrome. Also called: Familial aplasia of the vermis; JOUBERT-BOLTSHAUSER SYNDROME. Identifiers: Orphanet 475, MedGen C5979921, MONDO:0018772.
Meckel-Gruber syndrome. Also called: Dysencephalia splachnocystica; DYSENCEPHALIA SPLANCHNOCYSTICA; GRUBER SYNDROME. Identifiers: Orphanet 564, MedGen C0265215, MONDO:0018921.
CEP290-related disorder. Also called: CEP290-related disorders; CEP290-related condition. Identifiers: MedGen CN239314.

Allele frequency attached by ClinVar (database versions not stated): gnomAD 0.00001; gnomAD exomes 0.00002; TOPMed 0.00002.
gnomAD v4.1: 27 of 1,608,070 alleles (0.0017%); highest among the groups gnomAD compares: Non-Finnish European, 0.0021%; no homozygotes.

Submissions (3):

PreventionGenetics, part of Exact Sciences
Classification: Uncertain significance for CEP290-related condition. Last evaluated: 2026-03-20. Review status: criteria provided, single submitter. Criteria: ACMG Guidelines, 2015. Collection method: clinical testing. Allele origin: germline.
Comment: The CEP290 c.2909A>G variant is predicted to result in the amino acid substitution p.Asn970Ser. This variant has been documented in a patient with suspected retinitis pigmentosa, however its pathogenicity was not tested by segregation or functional studies (Table S2, Gao et al. 2019. PubMed ID: 31054281). This variant is reported in 0.0084% of alleles in individuals of African descent in gnomAD. At this time, the clinical significance of this variant is uncertain due to the absence of conclusive functional and genetic evidence.

Labcorp Genetics (formerly Invitae), Labcorp
Classification: Uncertain significance for Joubert syndrome; Meckel-Gruber syndrome; Nephronophthisis. Last evaluated: 2022-08-03. Review status: criteria provided, single submitter. Criteria: Invitae Variant Classification Sherloc (09022015). Collection method: clinical testing. Allele origin: germline.
Comment: This sequence change replaces asparagine, which is neutral and polar, with serine, which is neutral and polar, at codon 970 of the CEP290 protein (p.Asn970Ser). This variant is present in population databases (no rsID available, gnomAD 0.008%). This missense change has been observed in individual(s) with retinitis pigmentosa (PMID: 31054281). ClinVar contains an entry for this variant (Variation ID: 1503446). Algorithms developed to predict the effect of missense changes on protein structure and function output the following: SIFT: "Tolerated"; PolyPhen-2: "Benign"; Align-GVGD: "Class C0". The serine amino acid residue is found in multiple mammalian species, which suggests that this missense change does not adversely affect protein function. In summary, the available evidence is currently insufficient to determine the role of this variant in disease. Therefore, it has been classified as a Variant of Uncertain Significance.

Blueprint Genetics
Classification: Uncertain significance. Last evaluated: 2018-12-12. Review status: criteria provided, single submitter. Criteria: ACMG Guidelines, 2015. Collection method: clinical testing. Allele origin: germline.

Literature cited by the submitters: PubMed 31054281 (cited by Labcorp Genetics (formerly Invitae), Labcorp).

NM_025114.4(CEP290):c.2909A>G (p.Asn970Ser)

Gene: CEP290 (centrosomal protein 290; minus strand). Cytogenetic location: 12q21.32.
Variant type: single nucleotide variant.
Coding change: c.2909A>G on transcript NM_025114.4 (MANE Select); coding-DNA position 2909, A replaced by G.
Protein change: p.Asn970Ser; replaces asparagine 970 with serine.
Molecular consequence: missense variant.
Genome position (GRCh38, 1-based): chr12:88,102,920, T>C on the plus strand (A>G on the coding strand, the complement: CEP290 is on the minus strand). VCF-style: chr12-88102920-T-C. GRCh37 (hg19) VCF-style: chr12-88496697-T-C.
Other names: c.2909A>G (NM_025114.3); short protein forms N970S.
Identifiers: ClinVar variation 1503446 (VCV001503446.7), dbSNP rs951200727, ClinGen allele CA241148667.
Genomic context (GRCh38, chr12:88,102,920, plus strand): 5'-GTTCTTTGAACAAGCATATTATCTTTTTGCAAGATGTCCCTGTACTTAGCAGTCAGTTCA[T>C]TGTACTGTTTATTAGCCAGTTCTAGTTCAGACAAAGAAACACTATTATCTACAACTTTTT-3'
Protein context (NP_079390.3, residues 960-980): SELELANKQY[Asn970Ser]ELTAKYRDIL